The following is an entry in ClinVar:

NM_004370.6(COL12A1):c.6869C>A (p.Thr2290Asn)

Gene: COL12A1 (collagen type XII alpha 1 chain; minus strand). Cytogenetic location: 6q13.
Variant type: single nucleotide variant.
Coding change: c.6869C>A on transcript NM_004370.6 (MANE Select); coding-DNA position 6869, C replaced by A.
Protein change: p.Thr2290Asn; replaces threonine 2290 with asparagine.
Molecular consequence: missense variant.
Genome position (GRCh38, 1-based): chr6:75,123,950, G>T on the plus strand (C>A on the coding strand, the complement: COL12A1 is on the minus strand). VCF-style: chr6-75123950-G-T. GRCh37 (hg19) VCF-style: chr6-75833666-G-T.
Other names: c.3377C>A, p.Thr1126Asn (NM_080645.3); short protein forms T2290N, T1126N.
Identifiers: ClinVar variation 2011322 (VCV002011322.4), dbSNP rs2533228392, ClinGen allele CA364728279.

ClinVar aggregate classification (germline): Uncertain significance (1 of 4 stars; one submission).

Conditions:
Ullrich congenital muscular dystrophy 2 (UCMD2). Identifiers: Orphanet 75840, MedGen C4225314, MONDO:0014654, OMIM 616470.
Bethlem myopathy 2 (BTHLM2). Identifiers: Orphanet 536516, Orphanet 610, MedGen C4225313, MONDO:0034022, OMIM 616471.

Submission:

Labcorp Genetics (formerly Invitae), Labcorp
Classification: Uncertain significance for Bethlem myopathy 2; Ullrich congenital muscular dystrophy 2. Last evaluated: 2022-06-27. Review status: criteria provided, single submitter. Criteria: Invitae Variant Classification Sherloc (09022015). Collection method: clinical testing. Allele origin: germline.
Comment: In summary, the available evidence is currently insufficient to determine the role of this variant in disease. Therefore, it has been classified as a Variant of Uncertain Significance. Algorithms developed to predict the effect of missense changes on protein structure and function are either unavailable or do not agree on the potential impact of this missense change (SIFT: "Deleterious"; PolyPhen-2: "Probably Damaging"; Align-GVGD: "Class C0"). This variant has not been reported in the literature in individuals affected with COL12A1-related conditions. This variant is not present in population databases (gnomAD no frequency). This sequence change replaces threonine, which is neutral and polar, with asparagine, which is neutral and polar, at codon 2290 of the COL12A1 protein (p.Thr2290Asn).